The following is an entry in ClinVar:

NM_001035.3(RYR2):c.1927T>A (p.Leu643Ile)

Gene: RYR2 (ryanodine receptor 2; plus strand). Cytogenetic location: 1q43.
Variant type: single nucleotide variant.
Coding change: c.1927T>A on transcript NM_001035.3 (MANE Select); coding-DNA position 1927, T replaced by A.
Protein change: p.Leu643Ile; replaces leucine 643 with isoleucine.
Molecular consequence: missense variant.
Genome position (GRCh38, 1-based): chr1:237,493,053, T>A. VCF-style: chr1-237493053-T-A. GRCh37 (hg19) VCF-style: chr1-237656353-T-A.
Other names: short protein forms L643I.
Identifiers: ClinVar variation 951420 (VCV000951420.10), dbSNP rs368918887, ClinGen allele CA085912.

ClinVar aggregate classification (germline): Uncertain significance. Review status: criteria provided, multiple submitters, no conflicts (2 of 4 stars). 2 submissions from 2 submitters: Uncertain significance (2). Last evaluated 2024-07-29.

Conditions:
Catecholaminergic polymorphic ventricular tachycardia 1. Also called: VENTRICULAR TACHYCARDIA, STRESS-INDUCED POLYMORPHIC 1; RYR2-Related Catecholaminergic Polymorphic Ventricular Tachycardia; VENTRICULAR TACHYCARDIA, CATECHOLAMINERGIC POLYMORPHIC, 1, WITH OR WITHOUT ATRIAL DYSFUNCTION AND/OR DILATED CARDIOMYOPATHY. Identifiers: Orphanet 3286, MedGen C1631597, MONDO:0011484, OMIM 604772.
Catecholaminergic polymorphic ventricular tachycardia (CVPT). Also called: Catecholamine-induced polymorphic ventricular tachycardia. Identifiers: Orphanet 3286, MedGen C5574922, MONDO:0017990.

Allele frequency attached by ClinVar (database versions not stated): gnomAD exomes below 0.00001 and 0.00001; ExAC 0.00001; gnomAD 0.00001.
gnomAD v4.1: 3 of 1,613,418 alleles (0.00019%); highest among the groups gnomAD compares: Non-Finnish European, 0.00025%; no homozygotes.

Submissions (2):

All of Us Research Program, National Institutes of Health
Classification: Uncertain significance for Catecholaminergic polymorphic ventricular tachycardia. Last evaluated: 2024-07-29. Review status: criteria provided, single submitter. Criteria: ACMG Guidelines, 2015. Collection method: clinical testing. Allele origin: germline. Inheritance: Autosomal dominant inheritance. Observed: 2 variant alleles, 2 heterozygotes.
Comment: This missense variant replaces leucine with isoleucine at codon 643 of the RYR2 protein. Computational prediction is inconclusive regarding the impact of this variant on protein structure and function (internally defined REVEL score threshold 0.5 < inconclusive < 0.7, PMID: 27666373). To our knowledge, functional studies have not been reported for this variant. This variant has not been reported in individuals affected with RYR2-related disorders in the literature. This variant has been identified in 2/248360 chromosomes in the general population by the Genome Aggregation Database (gnomAD). The available evidence is insufficient to determine the role of this variant in disease conclusively. Therefore, this variant is classified as a Variant of Uncertain Significance.

This study involves interpretation of variants in research participants for the purpose of population health screening. Participant phenotype was not available at the time of variant classification. Additional details can be found in publication PMID: 35346344, PMCID: PMC8962531

Labcorp Genetics (formerly Invitae), Labcorp
Classification: Uncertain significance for Catecholaminergic polymorphic ventricular tachycardia 1. Last evaluated: 2019-07-25. Review status: criteria provided, single submitter. Criteria: Invitae Variant Classification Sherloc (09022015). Collection method: clinical testing. Allele origin: germline.
Comment: In summary, the available evidence is currently insufficient to determine the role of this variant in disease. Therefore, it has been classified as a Variant of Uncertain Significance. Algorithms developed to predict the effect of missense changes on protein structure and function are either unavailable or do not agree on the potential impact of this missense change (SIFT: "Deleterious"; PolyPhen-2: "Possibly Damaging"; Align-GVGD: "Class C0"). This variant has not been reported in the literature in individuals with RYR2-related conditions. This variant is present in population databases (rs368918887, ExAC 0.002%). This sequence change replaces leucine with isoleucine at codon 643 of the RYR2 protein (p.Leu643Ile). The leucine residue is highly conserved and there is a small physicochemical difference between leucine and isoleucine.